The following is an entry in ClinVar:

ClinVar aggregate classification (germline): Pathogenic (1 of 4 stars; one submission).

Conditions:
Hereditary nonpolyposis colorectal neoplasms. Identifiers: MedGen C0009405, MeSH D003123.

Submission:

Labcorp Genetics (formerly Invitae), Labcorp
Classification: Pathogenic for Hereditary nonpolyposis colorectal neoplasms. Last evaluated: 2022-01-08. Review status: criteria provided, single submitter. Criteria: Invitae Variant Classification Sherloc (09022015). Collection method: clinical testing. Allele origin: germline.
Comment: For these reasons, this variant has been classified as Pathogenic. This variant has not been reported in the literature in individuals affected with MSH6-related conditions. This variant is not present in population databases (gnomAD no frequency). This sequence change creates a premature translational stop signal (p.Leu1215Ilefs*9) in the MSH6 gene. It is expected to result in an absent or disrupted protein product. Loss-of-function variants in MSH6 are known to be pathogenic (PMID: 18269114, 24362816).

Literature cited by the submitters: PubMed 18269114; PubMed 24362816.

NM_000179.3(MSH6):c.3642dup (p.Leu1215fs)

Gene: MSH6 (mutS homolog 6; plus strand). Cytogenetic location: 2p16.3.
Variant type: Duplication.
Coding change: c.3642dup on transcript NM_000179.3 (MANE Select); coding-DNA position 3642, one base duplicated (A; older notation c.3642dupA).
Protein change: p.Leu1215fs; shifts the reading frame from leucine 1215.
Molecular consequence: frameshift variant.
Genome position (GRCh38, 1-based): chr2:47,805,703, A duplicated; the last of 2 consecutive A bases (chr2:47,805,702-47,805,703); duplicating either gives the same sequence. VCF-style (leftmost placement, unchanged base first): chr2-47805701-G-GA. GRCh37 (hg19) VCF-style: chr2-48032840-G-GA.
Other names: c.3474dup, p.Leu1159Ilefs (NM_001406826.1); c.3345dup, p.Leu1116Ilefs (NM_001406827.1, NM_001406828.1, NM_001406830.1 and 10 more transcripts); c.2736dup, p.Leu913Ilefs (NM_001406829.1, NM_001406811.1, NM_001406812.1 and 4 more transcripts); c.423dup, p.Leu142Ilefs (NM_001406831.1); c.489dup, p.Leu164Ilefs (NM_001406832.1); c.1587dup, p.Leu530Ilefs (NM_001407362.1); c.3252dup, p.Leu1085fs (NM_001281492.2); c.2736dup, p.Leu913fs (NM_001281493.2, NM_001281494.2); and 8 more; short protein forms L913fs, L1085fs, L1215fs.
Identifiers: ClinVar variation 2077792 (VCV002077792.4), dbSNP rs2530825755, ClinGen allele CA2580067258.